The following is an entry in ClinVar:

ClinVar aggregate classification (germline): Pathogenic (1 of 4 stars; one submission).

Allele frequency attached by ClinVar (database versions not stated): gnomAD exomes below 0.00001; TOPMed below 0.00001.

Submission:

GeneDx
Classification: Pathogenic. Last evaluated: 2017-07-03. Review status: criteria provided, single submitter. Criteria: GeneDx Variant Classification (06012015). Collection method: clinical testing. Allele origin: germline. Affected: yes.
Comment: The c.5388+5 G>A variant in the COL7A1 gene has not been reported previously as a pathogenic variant nor as a benign variant, to our knowledge. This variant reduces the quality of the splice donor site in intron 61, and is expected to cause abnormal gene splicing. Many other pathogenic splice site variants have been reported in this gene according to the Human Gene Mutation Database (Stenson et al., 2014). The c.5388+5 G>A variant is not observed in large population cohorts (Lek et al., 2016; 1000 Genomes Consortium et al., 2015; Exome Variant Server). We interpret c.5388+5 G>A as a pathogenic variant.

NM_000094.4(COL7A1):c.5388+5G>A

Gene: COL7A1 (collagen type VII alpha 1 chain; minus strand). Cytogenetic location: 3p21.31.
Variant type: single nucleotide variant.
Coding change: c.5388+5G>A on transcript NM_000094.4 (MANE Select); 5 bases into the intron after coding-DNA position 5388, G replaced by A.
Molecular consequence: intron variant.
Genome position (GRCh38, 1-based): chr3:48,579,192, C>T on the plus strand (G>A on the coding strand, the complement: COL7A1 is on the minus strand). VCF-style: chr3-48579192-C-T. GRCh37 (hg19) VCF-style: chr3-48616625-C-T.
Identifiers: ClinVar variation 390381 (VCV000390381.2), dbSNP rs1057523751, ClinGen allele CA16604946.